The following is an entry in ClinVar:

NM_000321.3(RB1):c.1421+4_1421+29del

Gene: RB1 (RB transcriptional corepressor 1; plus strand). Cytogenetic location: 13q14.2.
Variant type: Deletion.
Coding change: c.1421+4_1421+29del on transcript NM_000321.3 (MANE Select); bases 4 to 29 of the intron after coding-DNA position 1421, 26 bases deleted (AATTTTTTACTTTTAGTAAAAAATTT).
Molecular consequence: intron variant.
Genome position (GRCh38, 1-based): chr13:48,380,088-48,380,113, AATTTTTTACTTTTAGTAAAAAATTT deleted. VCF-style (leftmost placement, unchanged base first): chr13-48380087-AAATTTTTTACTTTTAGTAAAAAATTT-A. GRCh37 (hg19) VCF-style: chr13-48954223-AAATTTTTTACTTTTAGTAAAAAATTT-A.
Identifiers: ClinVar variation 1364610 (VCV001364610.6), dbSNP rs2138142387, ClinGen allele CA2573149607.
Genomic context (GRCh38, chr13:48,380,087, plus strand): 5'-TTTTTTTTTTAAATTATCTGTTTCAGGAAGAAGAACGATTATCCATTCAAAATTTTAGGT[AAATTTTTTACTTTTAGTAAAAAATTT>A]TTTTCTTTTTATAGAAGTAAGTATTTTATAATCTTTTTTTTTTTCCTTTAGCAAACTTCT-3'

ClinVar aggregate classification (germline): Uncertain significance (1 of 4 stars; one submission).

Conditions:
Retinoblastoma (RB1). Also called: RETINOBLASTOMA, SOMATIC. Identifiers: Orphanet 790, MedGen C0035335, MeSH D012175, MONDO:0008380, OMIM 180200, HP:0009919. Disease mechanism: loss of function. Inheritance: Both sporadic and heritable forms are tested..

Submission:

Labcorp Genetics (formerly Invitae), Labcorp
Classification: Uncertain significance for Retinoblastoma. Last evaluated: 2021-07-23. Review status: criteria provided, single submitter. Criteria: Invitae Variant Classification Sherloc (09022015). Collection method: clinical testing. Allele origin: germline.
Comment: This variant has not been reported in the literature in individuals affected with RB1-related conditions. In summary, the available evidence is currently insufficient to determine the role of this variant in disease. Therefore, it has been classified as a Variant of Uncertain Significance. Nucleotide substitutions within the consensus splice site are a relatively common cause of aberrant splicing (PMID: 17576681, 9536098). Algorithms developed to predict the effect of sequence changes on RNA splicing suggest that this variant may disrupt the consensus splice site. This variant is not present in population databases (ExAC no frequency). This sequence change falls in intron 15 of the RB1 gene. It does not directly change the encoded amino acid sequence of the RB1 protein. It affects a nucleotide within the consensus splice site of the intron.

Literature cited by the submitters: PubMed 17576681; PubMed 9536098.